The following is an entry in ClinVar:

ClinVar aggregate classification (germline): Pathogenic (1 of 4 stars; one submission).

Conditions:
DICER1-related tumor predisposition. Also called: DICER1-related pleuropulmonary blastoma cancer predisposition syndrome; DICER1 syndrome. Identifiers: Orphanet 284343, MedGen C3839822, MONDO:0100216.

Submission:

Labcorp Genetics (formerly Invitae), Labcorp
Classification: Pathogenic for DICER1-related tumor predisposition. Last evaluated: 2023-08-01. Review status: criteria provided, single submitter. Criteria: Invitae Variant Classification Sherloc (09022015). Collection method: clinical testing. Allele origin: germline.
Comment: For these reasons, this variant has been classified as Pathogenic. This variant has not been reported in the literature in individuals affected with DICER1-related conditions. This variant is not present in population databases (gnomAD no frequency). This sequence change creates a premature translational stop signal (p.Ser1737Leufs*14) in the DICER1 gene. It is expected to result in an absent or disrupted protein product. Loss-of-function variants in DICER1 are known to be pathogenic (PMID: 19556464, 21266384).

Literature cited by the submitters: PubMed 19556464; PubMed 21266384.

NM_177438.3(DICER1):c.5209del (p.Ser1737fs)

Gene: DICER1 (dicer 1, ribonuclease III; minus strand). Cytogenetic location: 14q32.13.
Variant type: Deletion.
Coding change: c.5209del on transcript NM_177438.3 (MANE Select); coding-DNA position 5209, one base deleted (T; older notation c.5209delT).
Protein change: p.Ser1737fs; shifts the reading frame from serine 1737.
Molecular consequence: frameshift variant. On other transcripts: non-coding transcript variant (6).
Genome position (GRCh38, 1-based): chr14:95,094,043, A deleted on the plus strand (T on the coding strand, the reverse complement: DICER1 is on the minus strand). VCF-style (leftmost placement, unchanged base first): chr14-95094042-GA-G. GRCh37 (hg19) VCF-style: chr14-95560379-GA-G.
Other names: c.5209del, p.Ser1737fs (NM_001195573.1, NM_001271282.3, NM_001291628.2 and 8 more transcripts); c.5209delT, p.Ser1737Leufs (NM_001395681.1); c.4927del, p.Ser1643fs (NM_001395686.1); c.4804del, p.Ser1602fs (NM_001395687.1, NM_001395688.1, NM_001395689.1 and 1 more transcripts); c.4642del, p.Ser1548fs (NM_001395691.1); c.3526del, p.Ser1176fs (NM_001395697.1); short protein forms S1548fs, S1643fs, S1737fs, S1176fs, S1602fs.
Identifiers: ClinVar variation 2861336 (VCV002861336.3), dbSNP rs2542442732, ClinGen allele CA2739278095.